The following is an entry in ClinVar:

ClinVar aggregate classification (germline): Uncertain significance (1 of 4 stars; one submission).

Conditions:
Intellectual developmental disorder, autosomal dominant 73 (MRD73). Also called: TAF4-RELATED NDD; TAF4-RELATED NEURODEVELOPMENTAL DISORDER. Identifiers: MedGen C5830636, MONDO:0957536, OMIM 620450.

Submission:

Clinical Genomics Laboratory, Washington University in St. Louis
Classification: Uncertain significance for Intellectual developmental disorder, autosomal dominant 73. Last evaluated: 2026-04-06. Review status: criteria provided, single submitter. Criteria: ACMG Guidelines, 2015. Collection method: clinical testing. Allele origin: germline.
Comment: The TAF4 c.272C>T (p.Pro91Leu) variant, to our knowledge, has not been reported in the medical literature and is absent from the general population (gnomAD v2.1.1), indicating it is not a common variant. Computational predictors suggest that the variant does not impact TAF4 function. Due to limited information, and based on ACMG/AMP guidelines for variant interpretation (Richards S et al., PMID: 25741868), the clinical significance of this variant is uncertain at this time.

NM_003185.4(TAF4):c.272C>T (p.Pro91Leu)

Gene: TAF4 (TATA-box binding protein associated factor 4; minus strand). Cytogenetic location: 20q13.33.
Variant type: single nucleotide variant.
Coding change: c.272C>T on transcript NM_003185.4 (MANE Select); coding-DNA position 272, C replaced by T.
Protein change: p.Pro91Leu; replaces proline 91 with leucine.
Molecular consequence: missense variant.
Genome position (GRCh38, 1-based): chr20:62,065,539, G>A on the plus strand (C>T on the coding strand, the complement: TAF4 is on the minus strand). VCF-style: chr20-62065539-G-A. GRCh37 (hg19) VCF-style: chr20-60640595-G-A.
Other names: short protein forms P91L.
Identifiers: ClinVar variation 4879274 (VCV004879274.1).